The following is an entry in ClinVar:

NM_023110.3(FGFR1):c.443G>A (p.Arg148His)

Gene: FGFR1 (fibroblast growth factor receptor 1; minus strand). Cytogenetic location: 8p11.23.
Variant type: single nucleotide variant.
Coding change: c.443G>A on transcript NM_023110.3 (MANE Select); coding-DNA position 443, G replaced by A.
Protein change: p.Arg148His; replaces arginine 148 with histidine.
Molecular consequence: missense variant. On other transcripts: splice donor variant (9).
Genome position (GRCh38, 1-based): chr8:38,428,351, C>T on the plus strand (G>A on the coding strand, the complement: FGFR1 is on the minus strand). VCF-style: chr8-38428351-C-T. GRCh37 (hg19) VCF-style: chr8-38285869-C-T.
Other names: c.443G>A, p.Arg148His (NM_000604.2, NM_001174063.2); c.419G>A, p.Arg140His (NM_001174064.2); c.176G>A, p.Arg59His (NM_001174066.2, NM_023105.3); c.175+1G>A (NM_001354368.2, NM_001354370.2, NM_023106.3); c.442+1G>A (NM_001354367.2, NM_015850.4, NM_001354369.2 and 2 more transcripts); c.541+1G>A (NM_001174067.2); short protein forms R148H, R140H, R59H.
Identifiers: ClinVar variation 132645 (VCV000132645.57), dbSNP rs515726222, ClinGen allele CA269803.

ClinVar aggregate classification (germline): Uncertain significance. Review status: criteria provided, multiple submitters, no conflicts (2 of 4 stars). 7 submissions from 7 submitters: Uncertain significance (6). 1 of the submissions does not count toward it. Last evaluated 2025-05-12.

Conditions:
Pfeiffer syndrome (ACS5). Also called: ACS V. Identifiers: Orphanet 710, MedGen C0220658, MONDO:0007043, OMIM 101600.
Hypogonadotropic hypogonadism 2 with or without anosmia (HH2). Also called: HYPOGONADOTROPIC HYPOGONADISM 2 WITHOUT ANOSMIA; HYPOGONADOTROPIC HYPOGONADISM 2 WITH OR WITHOUT ANOSMIA, SUSCEPTIBILITY TO; HYPOGONADOTROPIC HYPOGONADISM 2 WITHOUT ANOSMIA, SUSCEPTIBILITY TO; FGFR1-Related GnRH Deficiency (Kallmann Syndrome 2). Identifiers: Orphanet 478, MedGen C1563720, MONDO:0007844, OMIM 147950. Disease mechanism: loss of function.
Trigonocephaly 1 (TRIGNO1). Identifiers: Orphanet 3366, MedGen C0432122, MONDO:0008603, OMIM 190440.
Hartsfield-Bixler-Demyer syndrome (HRTFDS). Also called: Hartsfield syndrome; Holoprosencephaly, ectrodactyly, and bilateral cleft lip/palate; FGFR1-Related Hartsfield Syndrome. Identifiers: Orphanet 2117, MedGen C1845146, MONDO:0014196, OMIM 615465. Disease mechanism: loss of function.
Encephalocraniocutaneous lipomatosis (ECCL). Identifiers: Orphanet 2396, MedGen C0406612, MONDO:0013074, OMIM 613001.
Jackson-Weiss syndrome (JWS). Also called: CRANIOSYNOSTOSIS, MIDFACIAL HYPOPLASIA, AND FOOT ABNORMALITIES. Identifiers: Orphanet 1540, MedGen C0795998, MONDO:0007400, OMIM 123150. Disease mechanism: loss of function.
Osteoglophonic dysplasia (OGD). Also called: Osteoglophonic dwarfism. Identifiers: Orphanet 2645, MedGen C0432283, MONDO:0008150, OMIM 166250.

Allele frequency attached by ClinVar (database versions not stated): ExAC 0.00001; gnomAD 0.00001; gnomAD exomes 0.00001 and 0.00002; TOPMed 0.00001.
gnomAD v4.1: 12 of 1,613,672 alleles (0.00074%); highest among the groups gnomAD compares: Admixed American, 0.005%; no homozygotes.

Submissions (7):

Labcorp Genetics (formerly Invitae), Labcorp
Classification: Uncertain significance for Pfeiffer syndrome; Hypogonadotropic hypogonadism 2 with or without anosmia. Last evaluated: 2025-05-12. Review status: criteria provided, single submitter. Criteria: Invitae Variant Classification Sherloc (09022015). Collection method: clinical testing. Allele origin: germline.
Comment: This sequence change replaces arginine, which is basic and polar, with histidine, which is basic and polar, at codon 148 of the FGFR1 protein (p.Arg148His). This variant is present in population databases (rs515726222, gnomAD 0.006%). This missense change has been observed in individual(s) with Kallmann syndrome (PMID: 36138264). ClinVar contains an entry for this variant (Variation ID: 132645). Invitae Evidence Modeling of protein sequence and biophysical properties (such as structural, functional, and spatial information, amino acid conservation, physicochemical variation, residue mobility, and thermodynamic stability) has been performed for this missense variant. However, the output from this modeling did not meet the statistical confidence thresholds required to predict the impact of this variant on FGFR1 protein function. In summary, the available evidence is currently insufficient to determine the role of this variant in disease. Therefore, it has been classified as a Variant of Uncertain Significance.

Institute for Genomic Medicine (IGM) Clinical Laboratory, Nationwide Children's Hospital
Classification: Uncertain significance. Last evaluated: 2025-01-06. Review status: criteria provided, single submitter. Criteria: ACMG Guidelines, 2015. Collection method: clinical testing. Allele origin: germline.
Comment: This variant is absent from or present at an exceedingly low frequency in gnomAD, a large-scale control population database (ACMG/AMP: PM2). This variant occurs in a gene with a low rate of benign missense variation, in which missense alterations are a common mechanism of disease (ACMG/AMP: PP2).

Fulgent Genetics
Classification: Uncertain significance for Pfeiffer syndrome; Jackson-Weiss syndrome; Hypogonadotropic hypogonadism 2 with or without anosmia; Osteoglophonic dysplasia; Trigonocephaly 1; Encephalocraniocutaneous lipomatosis; Hartsfield-Bixler-Demyer syndrome. Last evaluated: 2023-12-28. Review status: criteria provided, single submitter. Criteria: ACMG Guidelines, 2015. Collection method: clinical testing. Allele origin: germline.

GeneDx
Classification: Uncertain significance. Last evaluated: 2023-02-28. Review status: criteria provided, single submitter. Criteria: GeneDx Variant Classification Process June 2021. Collection method: clinical testing. Allele origin: germline. Affected: yes.
Comment: In silico analysis supports that this missense variant does not alter protein structure/function; This variant is associated with the following publications: (PMID: 30621206, 24204987, Patil2022[preprint], 26708526)

ARUP Laboratories, Molecular Genetics and Genomics, ARUP Laboratories
Classification: Uncertain significance. Last evaluated: 2021-01-20. Review status: criteria provided, single submitter. Criteria: ARUP Molecular Germline Variant Investigation Process 2021. Collection method: clinical testing. Allele origin: germline.
Comment: The FGFR1 c.175+1G>A variant (rs515726222), also known as c.443G>A; p.Arg148His in transcript NM_023110.2 or c.442+1G>A in transcript NM_015850.3, is reported in the literature in an individual affected with hypogonadotropic hypogonadism (Nair 2016). This variant is found on four chromosomes (4/247168 alleles) in the Genome Aggregation Database. In transcripts NM_023106.2 and NM_015850.3, this variant abolishes the canonical splice donor site of intron 4. However, FGFR1 is alternatively spliced, and multiple other transcripts use an alternate intron 4 splice donor six nucleotides downstream, use of which results in an in-frame insertion of two additional amino acids. In transcripts using the downstream splice donor site, this variant results in the substitution of a histidine residue for a weakly conserved arginine, and computational analyses are uncertain whether this substitution is neutral or deleterious (REVEL: 0.369). Due to limited information on this variant and intron 4 splice donor usage, the clinical significance of the c.175+1G>A variant is uncertain at this time. References: Nair et al. Spectrum of phenotype and genotype of congenital isolated hypogonadotropic hypogonadism in Asian Indians. Clin Endocrinol (Oxf). 2016 Jul;85(1):100-9.

CeGaT Center for Human Genetics Tuebingen
Classification: Uncertain significance. Last evaluated: 2018-04-01. Review status: criteria provided, single submitter. Criteria: CeGaT Center For Human Genetics Tuebingen Variant Classification Criteria Version 2. Collection method: clinical testing. Allele origin: germline. Affected: yes. Observed: 2 variant alleles.

Endocrinology Clinic, Seth G.S. Medical College
Classification: Pathogenic for Isolated hypogonadotropic hypogonadism. Last evaluated: 2013-10-24. Review status: no assertion criteria provided. Collection method: research. Allele origin: germline. Inheritance: Autosomal dominant inheritance. Affected: yes. Observed: 1 variant allele, 1 heterozygote. Not counted in ClinVar's aggregate classification.

Literature cited by the submitters: PubMed 36138264 (cited by Labcorp Genetics (formerly Invitae), Labcorp); PubMed 24204987 (cited by Endocrinology Clinic, Seth G.S. Medical College).